The following is an entry in ClinVar:

ClinVar aggregate classification (germline): Uncertain significance (1 of 4 stars; one submission).

Allele frequency attached by ClinVar (database versions not stated): gnomAD exomes below 0.00001.
gnomAD v4.1: 4 of 1,607,866 alleles (0.00025%); highest among the groups gnomAD compares: Non-Finnish European, 0.00034%; no homozygotes.

Submission:

Labcorp Genetics (formerly Invitae), Labcorp
Classification: Uncertain significance. Last evaluated: 2022-04-18. Review status: criteria provided, single submitter. Criteria: Invitae Variant Classification Sherloc (09022015). Collection method: clinical testing. Allele origin: germline.
Comment: In summary, the available evidence is currently insufficient to determine the role of this variant in disease. Therefore, it has been classified as a Variant of Uncertain Significance. Variants that disrupt the consensus splice site are a relatively common cause of aberrant splicing (PMID: 17576681, 9536098). Algorithms developed to predict the effect of sequence changes on RNA splicing suggest that this variant is not likely to affect RNA splicing. This variant has not been reported in the literature in individuals affected with MYH14-related conditions. This variant is not present in population databases (gnomAD no frequency). This sequence change falls in intron 31 of the MYH14 gene. It does not directly change the encoded amino acid sequence of the MYH14 protein. It affects a nucleotide within the consensus splice site.

Literature cited by the submitters: PubMed 17576681; PubMed 9536098.

NM_001145809.2(MYH14):c.4539+4G>A

Gene: MYH14 (myosin heavy chain 14; plus strand). Cytogenetic location: 19q13.33.
Variant type: single nucleotide variant.
Coding change: c.4539+4G>A on transcript NM_001145809.2 (MANE Select); 4 bases into the intron after coding-DNA position 4539, G replaced by A.
Molecular consequence: intron variant.
Genome position (GRCh38, 1-based): chr19:50,281,846, G>A. VCF-style: chr19-50281846-G-A. GRCh37 (hg19) VCF-style: chr19-50785103-G-A.
Other names: c.4440+4G>A (NM_001077186.2); c.4416+4G>A (NM_024729.4).
Identifiers: ClinVar variation 2127701 (VCV002127701.4), dbSNP rs2514435262, ClinGen allele CA2580097730.